The following is an entry in ClinVar:

ClinVar aggregate classification (germline): Uncertain significance. Review status: criteria provided, multiple submitters, no conflicts (2 of 4 stars). 2 submissions from 2 submitters: Uncertain significance (2). Last evaluated 2024-05-20.

Conditions:
Congenital glucose-galactose malabsorption (GGM). Also called: MONOSACCHARIDE MALABSORPTION; DIARRHEA 16. Identifiers: Orphanet 35710, MedGen C0268186, MONDO:0011731, OMIM 606824.

Allele frequency attached by ClinVar (database versions not stated): ExAC 0.00001; gnomAD exomes 0.00004; TOPMed 0.00004; gnomAD 0.00005; ESP Exome Variant Server 0.00015.
gnomAD v4.1: 66 of 1,614,004 alleles (0.0041%); highest among the groups gnomAD compares: Non-Finnish European, 0.0053%; no homozygotes.

Submissions (2):

Fulgent Genetics
Classification: Uncertain significance for Congenital glucose-galactose malabsorption. Last evaluated: 2024-05-20. Review status: criteria provided, single submitter. Criteria: ACMG Guidelines, 2015. Collection method: clinical testing. Allele origin: germline.

Labcorp Genetics (formerly Invitae), Labcorp
Classification: Uncertain significance for Congenital glucose-galactose malabsorption. Last evaluated: 2022-07-14. Review status: criteria provided, single submitter. Criteria: Invitae Variant Classification Sherloc (09022015). Collection method: clinical testing. Allele origin: germline.
Comment: This sequence change replaces serine, which is neutral and polar, with phenylalanine, which is neutral and non-polar, at codon 30 of the SLC5A1 protein (p.Ser30Phe). This variant is present in population databases (rs201689857, gnomAD 0.007%). This variant has not been reported in the literature in individuals affected with SLC5A1-related conditions. ClinVar contains an entry for this variant (Variation ID: 1397738). Algorithms developed to predict the effect of missense changes on protein structure and function are either unavailable or do not agree on the potential impact of this missense change (SIFT: "Deleterious"; PolyPhen-2: "Benign"; Align-GVGD: "Class C0"). In summary, the available evidence is currently insufficient to determine the role of this variant in disease. Therefore, it has been classified as a Variant of Uncertain Significance.

NM_000343.4(SLC5A1):c.89C>T (p.Ser30Phe)

Gene: SLC5A1 (solute carrier family 5 member 1; plus strand). Cytogenetic location: 22q12.3.
Variant type: single nucleotide variant.
Coding change: c.89C>T on transcript NM_000343.4 (MANE Select); coding-DNA position 89, C replaced by T.
Protein change: p.Ser30Phe; replaces serine 30 with phenylalanine.
Molecular consequence: missense variant.
Genome position (GRCh38, 1-based): chr22:32,043,370, C>T. VCF-style: chr22-32043370-C-T. GRCh37 (hg19) VCF-style: chr22-32439357-C-T.
Other names: short protein forms S30F.
Identifiers: ClinVar variation 1397738 (VCV001397738.7), dbSNP rs201689857, ClinGen allele CA10197833.